The following is an entry in ClinVar:

NM_005245.4(FAT1):c.6012T>G (p.Ile2004Met)

Gene: FAT1 (FAT atypical cadherin 1; minus strand). Cytogenetic location: 4q35.2.
Variant type: single nucleotide variant.
Coding change: c.6012T>G on transcript NM_005245.4 (MANE Select); coding-DNA position 6012, T replaced by G.
Protein change: p.Ile2004Met; replaces isoleucine 2004 with methionine.
Molecular consequence: missense variant.
Genome position (GRCh38, 1-based): chr4:186,620,574, A>C on the plus strand (T>G on the coding strand, the complement: FAT1 is on the minus strand). VCF-style: chr4-186620574-A-C. GRCh37 (hg19) VCF-style: chr4-187541728-A-C.
Other names: short protein forms I2004M.
Identifiers: ClinVar variation 1190643 (VCV001190643.11), dbSNP rs200115380, ClinGen allele CA3166334.
Genomic context (GRCh38, chr4:186,620,574, plus strand): 5'-TTTAAATCTGCGATCTGGGTTGAGGATGTGATAAAACAAAGGCTCATTGATTGGATTCCC[A>C]ATAGCAGTAATGACAGCTAATGTTTCGGCCTCGGTGGAATTCTCTTTCACTACCGCAGAG-3'
Protein context (NP_005236.2, residues 1994-2014): EAETLAVITA[Ile2004Met]GNPINEPLFY

ClinVar aggregate classification (germline): Uncertain significance. Review status: criteria provided, multiple submitters, no conflicts (2 of 4 stars). 4 submissions from 4 submitters: Uncertain significance (4). Last evaluated 2024-08-21.

Allele frequency attached by ClinVar (database versions not stated): TOPMed 0.00051; gnomAD 0.00055 and 0.00056; ESP Exome Variant Server 0.00075.
gnomAD v4.1: 1,919 of 1,613,882 alleles (0.12%); highest among the groups gnomAD compares: Non-Finnish European, 0.16%; 1 homozygote.

Submissions (4):

Labcorp Genetics (formerly Invitae), Labcorp
Classification: Uncertain significance. Last evaluated: 2024-08-21. Review status: criteria provided, single submitter. Criteria: Invitae Variant Classification Sherloc (09022015). Collection method: clinical testing. Allele origin: germline.
Comment: This sequence change replaces isoleucine, which is neutral and non-polar, with methionine, which is neutral and non-polar, at codon 2004 of the FAT1 protein (p.Ile2004Met). This variant is present in population databases (rs200115380, gnomAD 0.1%), and has an allele count higher than expected for a pathogenic variant. This variant has not been reported in the literature in individuals affected with FAT1-related conditions. ClinVar contains an entry for this variant (Variation ID: 1190643). An algorithm developed to predict the effect of missense changes on protein structure and function (PolyPhen-2) suggests that this variant¬†is likely to be tolerated. In summary, the available evidence is currently insufficient to determine the role of this variant in disease. Therefore, it has been classified as a Variant of Uncertain Significance.

Blueprint Genetics
Classification: Uncertain significance. Last evaluated: 2024-07-19. Review status: criteria provided, single submitter. Criteria: ACMG Guidelines, 2015. Collection method: clinical testing. Allele origin: germline.

GeneDx
Classification: Uncertain significance. Last evaluated: 2024-02-13. Review status: criteria provided, single submitter. Criteria: GeneDx Variant Classification Process June 2021. Collection method: clinical testing. Allele origin: germline. Affected: yes.
Comment: In silico analysis supports that this missense variant does not alter protein structure/function; Has not been previously published as pathogenic or benign to our knowledge

ARUP Laboratories, Molecular Genetics and Genomics, ARUP Laboratories
Classification: Uncertain significance. Last evaluated: 2023-10-02. Review status: criteria provided, single submitter. Criteria: ARUP Molecular Germline Variant Investigation Process 2024. Collection method: clinical testing. Allele origin: germline.